The following is an entry in ClinVar:

NM_000059.4(BRCA2):c.2483A>G (p.Tyr828Cys)

Gene: BRCA2 (BRCA2 DNA repair associated; plus strand). Cytogenetic location: 13q13.1.
Variant type: single nucleotide variant.
Coding change: c.2483A>G on transcript NM_000059.4 (MANE Select); coding-DNA position 2483, A replaced by G.
Protein change: p.Tyr828Cys; replaces tyrosine 828 with cysteine.
Molecular consequence: missense variant.
Genome position (GRCh38, 1-based): chr13:32,336,838, A>G. VCF-style: chr13-32336838-A-G. GRCh37 (hg19) VCF-style: chr13-32910975-A-G.
Other names: short protein forms Y828C.
Identifiers: ClinVar variation 51296 (VCV000051296.4), dbSNP rs80358513, ClinGen allele CA015430.
Genomic context (GRCh38, chr13:32,336,838, plus strand): 5'-AATTAACCAAAAATATTCCCATGGAAAAGAATCAAGATGTATGTGCTTTAAATGAAAATT[A>G]TAAAAACGTTGAGCTGTTGCCACCTGAAAAATACATGAGAGTAGCATCACCTTCAAGAAA-3'
Protein context (NP_000050.3, residues 818-838): NQDVCALNEN[Tyr828Cys]KNVELLPPEK

ClinVar aggregate classification (germline): Likely benign. Review status: criteria provided, single submitter (1 of 4 stars). 2 submissions from 2 submitters: Likely benign (1). 1 of the submissions does not count toward it. Last evaluated 2023-03-23.

Conditions:
Breast-ovarian cancer, familial, susceptibility to, 2 (BROVCA2). Also called: BRCA2 Hereditary Breast and Ovarian Cancer. Identifiers: Orphanet 145, MedGen C2675520, MONDO:0012933, OMIM 612555. Disease mechanism: loss of function.
Hereditary cancer-predisposing syndrome. Also called: Neoplastic Syndromes, Hereditary; Tumor predisposition; Hereditary Cancer Syndrome; Hereditary neoplastic syndrome. Identifiers: Orphanet 140162, MedGen C0027672, MeSH D009386, MONDO:0015356.

Submissions (2):

University of Washington Department of Laboratory Medicine, University of Washington
Classification: Likely benign for Hereditary cancer-predisposing syndrome. Last evaluated: 2023-03-23. Review status: criteria provided, single submitter. Criteria: Dines et al. (Genet Med. 2020). Collection method: curation. Allele origin: germline.
Comment: Missense variant in a coldspot region where missense variants are very unlikely to be pathogenic (PMID:31911673).

BRCA2 exon 11 coldspot. Reclassification based on statistical prior probability.

Breast Cancer Information Core (BIC) (BRCA2)
Classification: Uncertain significance for Breast-ovarian cancer, familial 2. Last evaluated: 2002-06-20. Review status: no assertion criteria provided. Collection method: clinical testing. Allele origin: germline. Affected: yes. Observed: 1 variant allele. Not counted in ClinVar's aggregate classification.